The following is an entry in ClinVar:

ClinVar aggregate classification (germline): Conflicting classifications of pathogenicity. Review status: criteria provided, conflicting classifications (1 of 4 stars). 3 submissions from 3 submitters: Uncertain significance (2); Likely benign (1). Last evaluated 2023-11-28.

Conditions:
Hereditary cancer-predisposing syndrome. Also called: Hereditary neoplastic syndrome; Neoplastic Syndromes, Hereditary; Tumor predisposition; Hereditary Cancer Syndrome. Identifiers: Orphanet 140162, MedGen C0027672, MeSH D009386, MONDO:0015356.
Microcephaly, normal intelligence and immunodeficiency (NBS). Also called: IMMUNODEFICIENCY, MICROCEPHALY, AND CHROMOSOMAL INSTABILITY; SEEMANOVA SYNDROME II; Nijmegen breakage syndrome; Microcephaly with normal intelligence immunodeficiency and lymphoreticular malignancies; Nonsyndromal microcephaly autosomal recessive with normal intelligence; Seemanova syndrome 2. Identifiers: Orphanet 647, MedGen C0398791, MONDO:0009623, OMIM 251260.

Allele frequency attached by ClinVar (database versions not stated): gnomAD exomes below 0.00001.
gnomAD v4.1: 3 of 1,609,702 alleles (0.00019%); highest among the groups gnomAD compares: East Asian, 0.0067%; no homozygotes.

Submissions (3):

Labcorp Genetics (formerly Invitae), Labcorp
Classification: Uncertain significance for Microcephaly, normal intelligence and immunodeficiency. Last evaluated: 2023-11-28. Review status: criteria provided, single submitter. Criteria: Invitae Variant Classification Sherloc (09022015). Collection method: clinical testing. Allele origin: germline.
Comment: This sequence change affects codon 160 of the NBN mRNA. It is a 'silent' change, meaning that it does not change the encoded amino acid sequence of the NBN protein. It affects a nucleotide within the consensus splice site. This variant is not present in population databases (gnomAD no frequency). This variant has been observed in individual(s) with breast cancer (PMID: 30287823). ClinVar contains an entry for this variant (Variation ID: 481850). Algorithms developed to predict the effect of sequence changes on RNA splicing suggest that this variant is not likely to affect RNA splicing. In summary, the available evidence is currently insufficient to determine the role of this variant in disease. Therefore, it has been classified as a Variant of Uncertain Significance.

Genome-Nilou Lab
Classification: Uncertain significance for Microcephaly, normal intelligence and immunodeficiency. Last evaluated: 2021-11-07. Review status: criteria provided, single submitter. Criteria: ACMG Guidelines, 2015. Collection method: clinical testing. Allele origin: germline. Affected: no.

Ambry Genetics
Classification: Likely benign for Hereditary cancer-predisposing syndrome. Last evaluated: 2021-03-31. Review status: criteria provided, single submitter. Criteria: Ambry Variant Classification Scheme 2023. Collection method: clinical testing. Allele origin: germline.

Literature cited by the submitters: PubMed 30287823 (cited by Labcorp Genetics (formerly Invitae), Labcorp).

NM_002485.5(NBN):c.480A>G (p.Lys160=)

Gene: NBN (nibrin; minus strand). Cytogenetic location: 8q21.3.
Variant type: single nucleotide variant.
Coding change: c.480A>G on transcript NM_002485.5 (MANE Select); coding-DNA position 480, A replaced by G.
Protein change: p.Lys160=; no amino-acid change (lysine 160 retained).
Molecular consequence: synonymous variant.
Genome position (GRCh38, 1-based): chr8:89,980,734, T>C on the plus strand (A>G on the coding strand, the complement: NBN is on the minus strand). VCF-style: chr8-89980734-T-C. GRCh37 (hg19) VCF-style: chr8-90992962-T-C.
Other names: c.234A>G, p.Lys78= (NM_001024688.3).
Identifiers: ClinVar variation 481850 (VCV000481850.13), dbSNP rs1554567842, ClinGen allele CA461831330.